The following is an entry in ClinVar:

ClinVar aggregate classification (germline): Likely benign (1 of 4 stars; one submission).

Submission:

CeGaT Center for Human Genetics Tuebingen
Classification: Likely benign. Last evaluated: 2023-09-01. Review status: criteria provided, single submitter. Criteria: CeGaT Center For Human Genetics Tuebingen Variant Classification Criteria Version 2. Collection method: clinical testing. Allele origin: germline. Affected: yes. Observed: 1 variant allele.
Comment: ITPR1: PM2:Supporting, BP4, BP7

NM_001378452.1(ITPR1):c.741G>A (p.Gln247=)

Gene: ITPR1 (inositol 1,4,5-trisphosphate receptor type 1; plus strand). Cytogenetic location: 3p26.1.
Variant type: single nucleotide variant.
Coding change: c.741G>A on transcript NM_001378452.1 (MANE Select); coding-DNA position 741, G replaced by A.
Protein change: p.Gln247=; no amino-acid change (glutamine 247 retained).
Molecular consequence: synonymous variant.
Genome position (GRCh38, 1-based): chr3:4,645,614, G>A. VCF-style: chr3-4645614-G-A. GRCh37 (hg19) VCF-style: chr3-4687298-G-A.
Other names: c.741G>A, p.Gln247= (NM_001099952.4, NM_001168272.2, NM_002222.7).
Identifiers: ClinVar variation 2583005 (VCV002583005.25), dbSNP rs2470619687, ClinGen allele CA432524323.